The following is an entry in ClinVar:

ClinVar aggregate classification (germline): Uncertain significance (1 of 4 stars; one submission).

Conditions:
Polyhydramnios, megalencephaly, and symptomatic epilepsy (PMSE). Also called: PMSE SYNDROME. Identifiers: Orphanet 500533, MedGen C1970203, MONDO:0012611, OMIM 611087.

Allele frequency attached by ClinVar (database versions not stated): TOPMed below 0.00001; ExAC 0.00001; gnomAD exomes 0.00001 and 0.00002.
gnomAD v4.1: 19 of 1,614,070 alleles (0.0012%); highest among the groups gnomAD compares: Non-Finnish European, 0.0015%; no homozygotes.

Submission:

Labcorp Genetics (formerly Invitae), Labcorp
Classification: Uncertain significance for Polyhydramnios, megalencephaly, and symptomatic epilepsy. Last evaluated: 2022-06-15. Review status: criteria provided, single submitter. Criteria: Invitae Variant Classification Sherloc (09022015). Collection method: clinical testing. Allele origin: germline.
Comment: This variant is present in population databases (rs754353231, gnomAD 0.004%). This sequence change replaces asparagine, which is neutral and polar, with threonine, which is neutral and polar, at codon 274 of the STRADA protein (p.Asn274Thr). In summary, the available evidence is currently insufficient to determine the role of this variant in disease. Therefore, it has been classified as a Variant of Uncertain Significance. Algorithms developed to predict the effect of missense changes on protein structure and function are either unavailable or do not agree on the potential impact of this missense change (SIFT: "Deleterious"; PolyPhen-2: "Possibly Damaging"; Align-GVGD: "Class C0"). This variant has not been reported in the literature in individuals affected with STRADA-related conditions.

NM_001003787.4(STRADA):c.821A>C (p.Asn274Thr)

Gene: STRADA (STE20 related adaptor alpha; minus strand). Cytogenetic location: 17q23.3.
Variant type: single nucleotide variant.
Coding change: c.821A>C on transcript NM_001003787.4 (MANE Select); coding-DNA position 821, A replaced by C.
Protein change: p.Asn274Thr; replaces asparagine 274 with threonine.
Molecular consequence: missense variant. On other transcripts: non-coding transcript variant (1).
Genome position (GRCh38, 1-based): chr17:63,706,672, T>G on the plus strand (A>C on the coding strand, the complement: STRADA is on the minus strand). VCF-style: chr17-63706672-T-G. GRCh37 (hg19) VCF-style: chr17-61784032-T-G.
Other names: c.710A>C, p.Asn237Thr (NM_001003786.3, NM_001363789.1, NM_153335.6); c.647A>C, p.Asn216Thr (NM_001003788.3, NM_001363790.1, NM_001363791.1); c.734A>C, p.Asn245Thr (NM_001165969.2, NM_001363787.1); c.689A>C, p.Asn230Thr (NM_001165970.2); c.797A>C, p.Asn266Thr (NM_001363786.1); c.821A>C, p.Asn274Thr (NM_001363788.1); short protein forms N274T, N216T, N237T, N230T, N245T, N266T.
Identifiers: ClinVar variation 1491118 (VCV001491118.7), dbSNP rs754353231, ClinGen allele CA8703276.